The following is an entry in ClinVar:

NM_144997.7(FLCN):c.575A>G (p.Lys192Arg)

Gene: FLCN (folliculin; minus strand). Cytogenetic location: 17p11.2.
Variant type: single nucleotide variant.
Coding change: c.575A>G on transcript NM_144997.7 (MANE Select); coding-DNA position 575, A replaced by G.
Protein change: p.Lys192Arg; replaces lysine 192 with arginine.
Molecular consequence: missense variant.
Genome position (GRCh38, 1-based): chr17:17,223,965, T>C on the plus strand (A>G on the coding strand, the complement: FLCN is on the minus strand). VCF-style: chr17-17223965-T-C. GRCh37 (hg19) VCF-style: chr17-17127279-T-C.
Other names: c.575A>G, p.Lys192Arg (NM_001353231.2, NM_144606.7, NM_001353230.2); c.629A>G, p.Lys210Arg (NM_001353229.2); c.575A>G (NM_144997.5); short protein forms K192R, K210R.
Identifiers: ClinVar variation 1515000 (VCV001515000.9), dbSNP rs2047172936, ClinGen allele CA398534256.

ClinVar aggregate classification (germline): Uncertain significance. Review status: criteria provided, multiple submitters, no conflicts (2 of 4 stars). 2 submissions from 2 submitters: Uncertain significance (2). Last evaluated 2024-04-15.

Conditions:
Birt-Hogg-Dube syndrome. Also called: Birt Hogg Dubé syndrome. Identifiers: Orphanet 122, MedGen C0346010, MONDO:0800444.
Hereditary cancer-predisposing syndrome. Also called: Neoplastic Syndromes, Hereditary; Hereditary Cancer Syndrome; Tumor predisposition; Hereditary neoplastic syndrome. Identifiers: Orphanet 140162, MedGen C0027672, MeSH D009386, MONDO:0015356.

Allele frequency attached by ClinVar (database versions not stated): TOPMed below 0.00001; gnomAD 0.00001.
gnomAD v4.1: 1 of 1,613,362 alleles (0.000062%); highest among the groups gnomAD compares: Non-Finnish European, 0.000085%; no homozygotes.

Submissions (2):

Ambry Genetics
Classification: Uncertain significance for Hereditary cancer-predisposing syndrome. Last evaluated: 2024-04-15. Review status: criteria provided, single submitter. Criteria: Ambry Variant Classification Scheme 2023. Collection method: clinical testing. Allele origin: germline.
Comment: The p.K192R variant (also known as c.575A>G), located in coding exon 3 of the FLCN gene, results from an A to G substitution at nucleotide position 575. The lysine at codon 192 is replaced by arginine, an amino acid with highly similar properties. This amino acid position is conserved. In addition, this alteration is predicted to be tolerated by in silico analysis. Based on the available evidence, the clinical significance of this variant remains unclear.

Labcorp Genetics (formerly Invitae), Labcorp
Classification: Uncertain significance for Birt-Hogg-Dube syndrome. Last evaluated: 2021-02-21. Review status: criteria provided, single submitter. Criteria: Invitae Variant Classification Sherloc (09022015). Collection method: clinical testing. Allele origin: germline.
Comment: This sequence change replaces lysine with arginine at codon 192 of the FLCN protein (p.Lys192Arg). The lysine residue is moderately conserved and there is a small physicochemical difference between lysine and arginine. This variant is not present in population databases (ExAC no frequency). In summary, the available evidence is currently insufficient to determine the role of this variant in disease. Therefore, it has been classified as a Variant of Uncertain Significance. Algorithms developed to predict the effect of missense changes on protein structure and function output the following: SIFT: "Tolerated"; PolyPhen-2: "Benign"; Align-GVGD: "Class C0". The arginine amino acid residue is found in multiple mammalian species, suggesting that this missense change does not adversely affect protein function. These predictions have not been confirmed by published functional studies and their clinical significance is uncertain. This variant has not been reported in the literature in individuals with FLCN-related conditions.